The following is an entry in ClinVar:

ClinVar aggregate classification (germline): Uncertain significance (1 of 4 stars; one submission).

Allele frequency attached by ClinVar (database versions not stated): ExAC 0.00002; ESP Exome Variant Server 0.00008.

Submission:

Labcorp Genetics (formerly Invitae), Labcorp
Classification: Uncertain significance. Last evaluated: 2024-10-21. Review status: criteria provided, single submitter. Criteria: Invitae Variant Classification Sherloc (09022015). Collection method: clinical testing. Allele origin: germline.
Comment: This sequence change replaces arginine, which is basic and polar, with glutamine, which is neutral and polar, at codon 73 of the NSMCE2 protein (p.Arg73Gln). This variant is present in population databases (rs377703235, gnomAD 0.007%). This variant has not been reported in the literature in individuals affected with NSMCE2-related conditions. ClinVar contains an entry for this variant (Variation ID: 1925505). An algorithm developed to predict the effect of missense changes on protein structure and function (PolyPhen-2) suggests that this variant is likely to be disruptive. In summary, the available evidence is currently insufficient to determine the role of this variant in disease. Therefore, it has been classified as a Variant of Uncertain Significance.

NM_173685.4(NSMCE2):c.218G>A (p.Arg73Gln)

Gene: NSMCE2 (NSE2 (MMS21) homolog, SMC5-SMC6 complex SUMO ligase; plus strand). Cytogenetic location: 8q24.13.
Variant type: single nucleotide variant.
Coding change: c.218G>A on transcript NM_173685.4 (MANE Select); coding-DNA position 218, G replaced by A.
Protein change: p.Arg73Gln; replaces arginine 73 with glutamine.
Molecular consequence: missense variant. On other transcripts: non-coding transcript variant (2).
Genome position (GRCh38, 1-based): chr8:125,151,231, G>A. VCF-style: chr8-125151231-G-A. GRCh37 (hg19) VCF-style: chr8-126163473-G-A.
Other names: c.218G>A, p.Arg73Gln (NM_001349485.2, NM_001349486.2, NM_001349487.2); short protein forms R73Q.
Identifiers: ClinVar variation 1925505 (VCV001925505.3), dbSNP rs377703235, ClinGen allele CA4874328.